The following is an entry in ClinVar:

ClinVar aggregate classification (germline): Uncertain significance (1 of 4 stars; one submission).

Submission:

Labcorp Genetics (formerly Invitae), Labcorp
Classification: Uncertain significance. Last evaluated: 2025-10-22. Review status: criteria provided, single submitter. Criteria: Invitae Variant Classification Sherloc (09022015). Collection method: clinical testing. Allele origin: germline.
Comment: This sequence change replaces phenylalanine, which is neutral and non-polar, with histidine, which is basic and polar, at codon 65 of the SNX14 protein (p.Phe65His). This variant is present in population databases (no rsID available, gnomAD 0.002%). This variant has not been reported in the literature in individuals affected with SNX14-related conditions. ClinVar contains an entry for this variant (Variation ID: 1932078). An algorithm developed to predict the effect of missense changes on protein structure and function (PolyPhen-2) suggests that this variant is likely to be disruptive. In summary, the available evidence is currently insufficient to determine the role of this variant in disease. Therefore, it has been classified as a Variant of Uncertain Significance.

NM_153816.6(SNX14):c.193_194delinsCA (p.Phe65His)

Gene: SNX14 (sorting nexin 14; minus strand). Cytogenetic location: 6q14.3.
Variant type: Indel.
Coding change: c.193_194delinsCA on transcript NM_153816.6 (MANE Select); coding-DNA positions 193 to 194, TT replaced by CA.
Protein change: p.Phe65His; replaces phenylalanine 65 with histidine.
Molecular consequence: missense variant. On other transcripts: 5 prime UTR variant (9), non-coding transcript variant (6).
Genome position (GRCh38, 1-based): chr6:85,574,325-85,574,326, AA replaced by TG on the plus strand (TT replaced by CA on the coding strand, the reverse complement: SNX14 is on the minus strand). VCF-style: chr6-85574325-AA-TG. GRCh37 (hg19) VCF-style: chr6-86284043-AA-TG.
Other names: c.193_194delinsCA, p.Phe65His (NM_001350536.2, NM_001350537.2, NM_001350538.2 and 7 more transcripts); c.37_38delinsCA, p.Phe13His (NM_001350539.2, NM_001350542.2, NM_001350543.2 and 2 more transcripts); c.-208_-207delinsCA (NM_001350545.2, NM_001350546.2); c.-773_-772delinsCA (NM_001350547.2); c.-827_-826delinsCA (NM_001350548.2); c.-959_-958delinsCA (NM_001350549.2, NM_001350550.2, NM_001350553.2); c.-874_-873delinsCA (NM_001350551.2); c.-991_-990delinsCA (NM_001350552.2); and 1 more; short protein forms F65H, F13H, F86H.
Identifiers: ClinVar variation 1932078 (VCV001932078.5), dbSNP rs2536959368, ClinGen allele CA2580075937.